The following is an entry in ClinVar:

NM_000051.4(ATM):c.7946C>T (p.Ala2649Val)

Genes: ATM (ATM serine/threonine kinase; plus strand), C11orf65 (chromosome 11 open reading frame 65; minus strand). Cytogenetic location: 11q22.3.
Variant type: single nucleotide variant.
Coding change: c.7946C>T on transcript NM_000051.4 (MANE Select); coding-DNA position 7946, C replaced by T.
Protein change: p.Ala2649Val; replaces alanine 2649 with valine.
Molecular consequence: missense variant. On other transcripts: intron variant (2).
Genome position (GRCh38, 1-based): chr11:108,333,904, C>T. VCF-style: chr11-108333904-C-T. GRCh37 (hg19) VCF-style: chr11-108204631-C-T.
Other names: c.7946C>T, p.Ala2649Val (NM_001351834.2); c.641-24833G>A (NM_001330368.2); c.*38+1316G>A (NM_001351110.2); short protein forms A2649V.
Identifiers: ClinVar variation 234142 (VCV000234142.18), dbSNP rs876660877, ClinGen allele CA10579277.

ClinVar aggregate classification (germline): Conflicting classifications of pathogenicity. Review status: criteria provided, conflicting classifications (1 of 4 stars). 3 submissions from 3 submitters: Uncertain significance (2); Likely benign (1). Last evaluated 2025-10-29.

Conditions:
Hereditary cancer-predisposing syndrome. Also called: Neoplastic Syndromes, Hereditary; Hereditary neoplastic syndrome; Tumor predisposition; Hereditary Cancer Syndrome. Identifiers: Orphanet 140162, MedGen C0027672, MeSH D009386, MONDO:0015356.
Ataxia-telangiectasia syndrome (AT). Also called: Ataxia telangiectasia (A-T); Cerebello-oculocutaneous telangiectasia; Immunodeficiency with ataxia telangiectasia; LOUIS-BAR SYNDROME; AT, COMPLEMENTATION GROUP C; ATAXIA-TELANGIECTASIA, FRESNO VARIANT. Identifiers: Orphanet 100, MedGen C0004135, MONDO:0008840, OMIM 208900.

Allele frequency attached by ClinVar (database versions not stated): gnomAD 0.00001; gnomAD exomes below 0.00001.
gnomAD v4.1: 3 of 1,609,840 alleles (0.00019%); highest among the groups gnomAD compares: Admixed American, 0.0017%; no homozygotes.

Submissions (3):

Ambry Genetics
Classification: Likely benign for Hereditary cancer-predisposing syndrome. Last evaluated: 2025-10-29. Review status: criteria provided, single submitter. Criteria: Ambry Variant Classification Scheme 2023. Collection method: clinical testing. Allele origin: germline.

Labcorp Genetics (formerly Invitae), Labcorp
Classification: Uncertain significance for Ataxia-telangiectasia syndrome. Last evaluated: 2024-04-15. Review status: criteria provided, single submitter. Criteria: Invitae Variant Classification Sherloc (09022015). Collection method: clinical testing. Allele origin: germline.
Comment: This sequence change replaces alanine, which is neutral and non-polar, with valine, which is neutral and non-polar, at codon 2649 of the ATM protein (p.Ala2649Val). This variant is present in population databases (no rsID available, gnomAD no frequency). This variant has not been reported in the literature in individuals affected with ATM-related conditions. ClinVar contains an entry for this variant (Variation ID: 234142). An algorithm developed to predict the effect of missense changes on protein structure and function (PolyPhen-2) suggests that this variant is likely to be tolerated. In summary, the available evidence is currently insufficient to determine the role of this variant in disease. Therefore, it has been classified as a Variant of Uncertain Significance.

Color Diagnostics, LLC DBA Color Health
Classification: Uncertain significance for Hereditary cancer-predisposing syndrome. Last evaluated: 2023-12-04. Review status: criteria provided, single submitter. Criteria: ACMG Guidelines, 2015. Collection method: clinical testing. Allele origin: germline.
Comment: This missense variant replaces alanine with valine at codon 2649 of the ATM protein. Computational prediction suggests that this variant may not impact protein structure and function (internally defined REVEL score threshold <= 0.5, PMID: 27666373). To our knowledge, functional studies have not been reported for this variant. This variant has not been reported in individuals affected with ATM-related disorders in the literature. This variant has been identified in 1/251258 chromosomes in the general population by the Genome Aggregation Database (gnomAD). The available evidence is insufficient to determine the role of this variant in disease conclusively. Therefore, this variant is classified as a Variant of Uncertain Significance.

Literature cited by the submitters: PubMed 40580951 (cited by Ambry Genetics).